The following is an entry in ClinVar:

ClinVar aggregate classification (germline): Pathogenic (1 of 4 stars; one submission).

Submission:

Labcorp Genetics (formerly Invitae), Labcorp
Classification: Pathogenic. Last evaluated: 2023-10-30. Review status: criteria provided, single submitter. Criteria: Invitae Variant Classification Sherloc (09022015). Collection method: clinical testing. Allele origin: germline.
Comment: This sequence change creates a premature translational stop signal (p.Lys4396Argfs*22) in the USH2A gene. It is expected to result in an absent or disrupted protein product. Loss-of-function variants in USH2A are known to be pathogenic (PMID: 10729113, 10909849, 20507924, 25649381). This variant is not present in population databases (gnomAD no frequency). This variant has not been reported in the literature in individuals affected with USH2A-related conditions. For these reasons, this variant has been classified as Pathogenic.

Literature cited by the submitters: PubMed 10729113; PubMed 10909849; PubMed 20507924; PubMed 25649381.

NM_206933.4(USH2A):c.13187_13188del (p.Lys4396fs)

Gene: USH2A (usherin; minus strand). Cytogenetic location: 1q41.
Variant type: Deletion.
Coding change: c.13187_13188del on transcript NM_206933.4 (MANE Select); coding-DNA positions 13187 to 13188, 2 bases deleted (AA; older notation c.13187_13188delAA).
Protein change: p.Lys4396fs; shifts the reading frame from lysine 4396.
Molecular consequence: frameshift variant.
Genome position (GRCh38, 1-based): chr1:215,674,723-215,674,724, TT deleted on the plus strand (AA on the coding strand, the reverse complement: USH2A is on the minus strand); deleting any 2 consecutive bases within chr1:215,674,723-215,674,725 gives the same sequence; the c. name uses the placement nearest the transcript's 3' end. VCF-style (leftmost placement, unchanged base first): chr1-215674722-CTT-C. GRCh37 (hg19) VCF-style: chr1-215848064-CTT-C.
Other names: short protein forms K4396fs.
Identifiers: ClinVar variation 2772939 (VCV002772939.3), dbSNP rs2464896614, ClinGen allele CA2697554900.